The following is an entry in ClinVar:

NM_004937.3(CTNS):c.1036_1047del (p.Asp346_Phe349del)

Gene: CTNS (cystinosin, lysosomal cystine transporter; plus strand). Cytogenetic location: 17p13.2.
Variant type: Deletion.
Coding change: c.1036_1047del on transcript NM_004937.3 (MANE Select); coding-DNA positions 1036 to 1047, 12 bases deleted (GACGTCGTCTTC).
Protein change: p.Asp346_Phe349del.
Molecular consequence: inframe deletion.
Genome position (GRCh38, 1-based): chr17:3,660,301-3,660,312, GACGTCGTCTTC deleted; deleting any 12 consecutive bases within chr17:3,660,293-3,660,312 gives the same sequence; the c. name uses the placement nearest the transcript's 3' end. VCF-style (leftmost placement, unchanged base first): chr17-3660292-ATCGTCTTCGACG-A. GRCh37 (hg19) VCF-style: chr17-3563586-ATCGTCTTCGACG-A.
Other names: c.1036_1047del, p.Asp346_Phe349del (NM_001031681.3, NM_001374492.1); c.595_606del, p.Asp199_Phe202del (NM_001374493.1, NM_001374494.1, NM_001374495.1 and 1 more transcripts); c.1036_1047delGACGTCGTCTTC (NM_004937.2).
Identifiers: ClinVar variation 2137881 (VCV002137881.6), dbSNP rs771552404, ClinGen allele CA624851012.
Genomic context (GRCh38, chr17:3,660,292, plus strand): 5'-ACAGACCAGTGGACGCTGATCTTCGGAGACCCAACCAAGTTTGGACTCGGGGTCTTCTCC[ATCGTCTTCGACG>A]TCGTCTTCTTCATCCAGCACTTCTGTTTGTACAGAAAGAGACCGGGGTATGACCAGCTGA-3'

ClinVar aggregate classification (germline): Conflicting classifications of pathogenicity. Review status: criteria provided, conflicting classifications (1 of 4 stars). 4 submissions from 4 submitters: Likely pathogenic (2); Uncertain significance (2). Last evaluated 2025-09-05.

Conditions:
Nephropathic cystinosis (CTNS). Also called: Abderhalden Lignac Kaufmann disease; Abderhalden-Kaufmann-Lignac syndrome; CYSTINOSIN, DEFECT OF; LYSOSOMAL CYSTINE TRANSPORT PROTEIN, DEFECT OF. Identifiers: Orphanet 213, Orphanet 411629, MedGen C2931187, MONDO:0100151, OMIM 219800.
Cystinosis. Also called: Cystine diathesis; Cystine storage disease; Cystinoses. Identifiers: Orphanet 213, MedGen C4316899, MONDO:0016239.
Inborn genetic diseases. Identifiers: MedGen C0950123, MeSH D030342.
Ocular cystinosis. Also called: Non-Nephropathic Cystinosis; Non-Nephropathic (Ocular) Cystinosis. Identifiers: Orphanet 213, Orphanet 411641, MedGen C2931013, MONDO:0009064, OMIM 219750.
Juvenile nephropathic cystinosis. Also called: Intermediate Cystinosis; CYSTINOSIS, LATE-ONSET JUVENILE OR ADOLESCENT NEPHROPATHIC TYPE; Later-Onset (Juvenile) Cystinosis. Identifiers: Orphanet 213, Orphanet 411634, MedGen C0268626, MONDO:0009066, OMIM 219900.

Submissions (4):

3billion
Classification: Uncertain significance for Nephropathic cystinosis. Last evaluated: 2025-09-05. Review status: criteria provided, single submitter. Criteria: ACMG Guidelines, 2015. Collection method: clinical testing. Allele origin: germline. Affected: yes.
Comment: The variant is observed at an extremely low frequency in the gnomAD v4.1.0 dataset (total allele frequency: <0.001%). Predicted Consequence/Location: Inframe deletion located in a nonrepeat region: predicted to change the length of the protein and disrupt normal protein function. The variant has been reported to be associated with CTNS-related disorder (PMID: 12442267). However, the evidence of pathogenicity is insufficient at this time. Therefore, this variant is classified as VUS according to the recommendation of ACMG/AMP guideline.

Natera, Inc.
Classification: Likely pathogenic for Cystinosis. Last evaluated: 2024-08-30. Review status: criteria provided, single submitter. Criteria: Natera Variant Classification Schema (03/2026). Collection method: clinical testing. Allele origin: germline.
Comment: The c.1036_1047delGACGTCGTCTTC variant in CTNS is an in-frame deletion. This variant is rare in the general population with a frequency below the threshold expected for the associated phenotype(s). This variant has been observed in one or more individuals affected with the associated recessive disease, as either homozygous or compound heterozygous with a second variant (PMID: 12442267). This variant results in a change to the protein length while preserving reading frame, which may disrupt normal protein structure or function. Given the available evidence, this variant is classified as Likely Pathogenic.

Baylor Genetics
Classification: Likely pathogenic for Nephropathic cystinosis. Last evaluated: 2024-03-14. Review status: criteria provided, single submitter. Criteria: ACMG Guidelines, 2015. Collection method: clinical testing. Allele origin: unknown.

Labcorp Genetics (formerly Invitae), Labcorp
Classification: Uncertain significance for Inborn genetic diseases; Ocular cystinosis; Juvenile nephropathic cystinosis. Last evaluated: 2022-07-16. Review status: criteria provided, single submitter. Criteria: Invitae Variant Classification Sherloc (09022015). Collection method: clinical testing. Allele origin: germline.
Comment: This variant, c.1036_1047del, results in the deletion of 4 amino acid(s) of the CTNS protein (p.Asp346_Phe349del), but otherwise preserves the integrity of the reading frame. This variant is present in population databases (no rsID available, gnomAD 0.006%). This variant has been observed in individual(s) with cystinosis (PMID: 12442267). In at least one individual the data is consistent with being in trans (on the opposite chromosome) from a pathogenic variant. This variant is also known as c.1375-1386del12(DVVF346-349del). Algorithms developed to predict the effect of variants on protein structure and function are not available or were not evaluated for this variant. Experimental studies have shown that this variant affects CTNS function (PMID: 15128704). In summary, the available evidence is currently insufficient to determine the role of this variant in disease. Therefore, it has been classified as a Variant of Uncertain Significance.

Literature cited by the submitters: PubMed 12442267 (cited by 3 submitters); PubMed 15128704 (cited by Labcorp Genetics (formerly Invitae), Labcorp).